The following is an entry in ClinVar:

NM_017871.6(INTS11):c.1683C>T (p.Ala561=)

Gene: INTS11 (integrator complex subunit 11; minus strand). Cytogenetic location: 1p36.33.
Variant type: single nucleotide variant.
Coding change: c.1683C>T on transcript NM_017871.6 (MANE Select); coding-DNA position 1683, C replaced by T.
Protein change: p.Ala561=; no amino-acid change (alanine 561 retained).
Molecular consequence: synonymous variant.
Genome position (GRCh38, 1-based): chr1:1,312,072, G>A on the plus strand (C>T on the coding strand, the complement: INTS11 is on the minus strand). VCF-style: chr1-1312072-G-A. GRCh37 (hg19) VCF-style: chr1-1247452-G-A.
Other names: c.1701C>T, p.Ala567= (NM_001256456.2); c.1596C>T, p.Ala532= (NM_001256460.2); c.1389C>T, p.Ala463= (NM_001256462.2); c.1380C>T, p.Ala460= (NM_001256463.2).
Identifiers: ClinVar variation 4534027 (VCV004534027.6).

ClinVar aggregate classification (germline): Likely benign (1 of 4 stars; one submission).

gnomAD v4.1: 148 of 1,573,470 alleles (0.0094%); highest among the groups gnomAD compares: Non-Finnish European, 0.011%; no homozygotes.

Submission:

CeGaT Center for Human Genetics Tuebingen
Classification: Likely benign. Last evaluated: 2025-10-01. Review status: criteria provided, single submitter. Criteria: CeGaT Center For Human Genetics Tuebingen Variant Classification Criteria Version 2. Collection method: clinical testing. Allele origin: germline. Affected: yes. Observed: 1 variant allele.
Comment: INTS11: BP4, BP7